The following is an entry in ClinVar:

ClinVar aggregate classification (germline): Uncertain significance (1 of 4 stars; one submission).

Submission:

Labcorp Genetics (formerly Invitae), Labcorp
Classification: Uncertain significance. Last evaluated: 2022-11-07. Review status: criteria provided, single submitter. Criteria: Invitae Variant Classification Sherloc (09022015). Collection method: clinical testing. Allele origin: germline.
Comment: In summary, the available evidence is currently insufficient to determine the role of this variant in disease. Therefore, it has been classified as a Variant of Uncertain Significance. Experimental studies and prediction algorithms are not available or were not evaluated, and the functional significance of this variant is currently unknown. This variant has not been reported in the literature in individuals affected with MYH7B-related conditions. This variant is present in population databases (rs762599007, gnomAD 0.007%). This variant, c.3379_3381del, results in the deletion of 1 amino acid(s) of the MYH7B protein (p.Glu1127del), but otherwise preserves the integrity of the reading frame.

NM_020884.7(MYH7B):c.3250GAG[1] (p.Glu1085del)

Gene: MYH7B (myosin heavy chain 7B; plus strand). Cytogenetic location: 20q11.22.
Variant type: Microsatellite.
Coding change: c.3250GAG[1] on transcript NM_020884.7 (MANE Select); one copy of the 3-base unit GAG starting at c.3250; the reference has two copies in a row; one copy, 3 bases deleted.
Protein change: p.Glu1085del; deletes glutamic acid 1085.
Molecular consequence: inframe deletion.
Genome position (GRCh38, 1-based): chr20:34,996,745-34,996,747, GAG deleted; deleting any 3 consecutive bases within chr20:34,996,741-34,996,747 gives the same sequence; the position shown is the placement nearest the transcript's 3' end. VCF-style (leftmost placement, unchanged base first): chr20-34996740-TGGA-T. GRCh37 (hg19) VCF-style: chr20-33584543-TGGA-T.
Other names: short protein forms E1085del.
Identifiers: ClinVar variation 1993640 (VCV001993640.4), dbSNP rs762599007, ClinGen allele CA9827676.
Genomic context (GRCh38, chr20:34,996,740, plus strand): 5'-AGGGTGACCTGAAGCTGACGCAGGAGTCGGTGGCTGATGCTGCTCAAGACAAGCAGCAGC[TGGA>T]GGAGAAGCTCAAGAAGTAGGTGTGGTGGGGCAGCAGGTGGGGGCCTTCTGAGCCTGCACC-3'